The following is an entry in ClinVar:

NM_182914.3(SYNE2):c.7417A>C (p.Lys2473Gln)

Gene: SYNE2 (spectrin repeat containing nuclear envelope protein 2; plus strand). Cytogenetic location: 14q23.2.
Variant type: single nucleotide variant.
Coding change: c.7417A>C on transcript NM_182914.3 (MANE Select); coding-DNA position 7417, A replaced by C.
Protein change: p.Lys2473Gln; replaces lysine 2473 with glutamine.
Molecular consequence: missense variant.
Genome position (GRCh38, 1-based): chr14:64,049,650, A>C. VCF-style: chr14-64049650-A-C. GRCh37 (hg19) VCF-style: chr14-64516368-A-C.
Other names: c.7417A>C, p.Lys2473Gln (NM_015180.6); short protein forms K2473Q.
Identifiers: ClinVar variation 934173 (VCV000934173.9), dbSNP rs2097210469, ClinGen allele CA389958765.
Genomic context (GRCh38, chr14:64,049,650, plus strand): 5'-ATCTGTGTGACTTATTTTTAGAAATTATATACCCAGTTGGAAGCAAAGAAAGCAGCCATT[A>C]AGCCACTGGAACAAACAGAATGTCTTAACAAAACAGAAACTGGGGCCTTGGTTCTCCACA-3'
Protein context (NP_878918.2, residues 2463-2483): TQLEAKKAAI[Lys2473Gln]PLEQTECLNK

ClinVar aggregate classification (germline): Uncertain significance (1 of 4 stars; one submission).

Conditions:
Emery-Dreifuss muscular dystrophy 5, autosomal dominant (EDMD5). Also called: EMERY-DREIFUSS MUSCULAR DYSTROPHY 5. Identifiers: Orphanet 261, MedGen C2751805, MONDO:0013072, OMIM 612999.

Allele frequency attached by ClinVar (database versions not stated): gnomAD exomes below 0.00001.
gnomAD v4.1: 1 of 1,614,142 alleles (0.000062%); highest among the groups gnomAD compares: Non-Finnish European, 0.000085%; no homozygotes.

Submission:

Labcorp Genetics (formerly Invitae), Labcorp
Classification: Uncertain significance for Emery-Dreifuss muscular dystrophy 5, autosomal dominant. Last evaluated: 2022-02-04. Review status: criteria provided, single submitter. Criteria: Invitae Variant Classification Sherloc (09022015). Collection method: clinical testing. Allele origin: germline.
Comment: This sequence change replaces lysine, which is basic and polar, with glutamine, which is neutral and polar, at codon 2473 of the SYNE2 protein (p.Lys2473Gln). This variant is not present in population databases (gnomAD no frequency). This variant has not been reported in the literature in individuals affected with SYNE2-related conditions. ClinVar contains an entry for this variant (Variation ID: 934173). Algorithms developed to predict the effect of missense changes on protein structure and function (SIFT, PolyPhen-2, Align-GVGD) all suggest that this variant is likely to be tolerated. In summary, the available evidence is currently insufficient to determine the role of this variant in disease. Therefore, it has been classified as a Variant of Uncertain Significance.